The following is an entry in ClinVar:

ClinVar aggregate classification (germline): Uncertain significance (1 of 4 stars; one submission).

Allele frequency attached by ClinVar (database versions not stated): gnomAD exomes below 0.00001; TOPMed 0.00001.

Submission:

Labcorp Genetics (formerly Invitae), Labcorp
Classification: Uncertain significance. Last evaluated: 2024-10-17. Review status: criteria provided, single submitter. Criteria: Invitae Variant Classification Sherloc (09022015). Collection method: clinical testing. Allele origin: germline.
Comment: This sequence change falls in intron 8 of the TGM1 gene. It does not directly change the encoded amino acid sequence of the TGM1 protein. It affects a nucleotide within the consensus splice site. This variant is present in population databases (no rsID available, gnomAD 0.006%). This variant has not been reported in the literature in individuals affected with TGM1-related conditions. ClinVar contains an entry for this variant (Variation ID: 2158274). Variants that disrupt the consensus splice site are a relatively common cause of aberrant splicing (PMID: 17576681, 9536098). Algorithms developed to predict the effect of sequence changes on RNA splicing suggest that this variant is not likely to affect RNA splicing. In summary, the available evidence is currently insufficient to determine the role of this variant in disease. Therefore, it has been classified as a Variant of Uncertain Significance.

Literature cited by the submitters: PubMed 17576681; PubMed 9536098.

NM_000359.3(TGM1):c.1299-3C>T

Gene: TGM1 (transglutaminase 1; minus strand). Cytogenetic location: 14q12.
Variant type: single nucleotide variant.
Coding change: c.1299-3C>T on transcript NM_000359.3 (MANE Select); 3 bases into the intron before coding-DNA position 1299, C replaced by T.
Molecular consequence: intron variant.
Genome position (GRCh38, 1-based): chr14:24,258,391, G>A on the plus strand (C>T on the coding strand, the complement: TGM1 is on the minus strand). VCF-style: chr14-24258391-G-A. GRCh37 (hg19) VCF-style: chr14-24727597-G-A.
Identifiers: ClinVar variation 2158274 (VCV002158274.3), dbSNP rs1281024440, ClinGen allele CA613320761.